The following is an entry in ClinVar:

ClinVar aggregate classification (germline): Uncertain significance (1 of 4 stars; one submission).

gnomAD v4.1: 7 of 1,613,518 alleles (0.00043%); highest among the groups gnomAD compares: Admixed American, 0.0033%; no homozygotes.

Submission:

CeGaT Center for Human Genetics Tuebingen
Classification: Uncertain significance. Last evaluated: 2025-06-01. Review status: criteria provided, single submitter. Criteria: CeGaT Center For Human Genetics Tuebingen Variant Classification Criteria Version 2. Collection method: clinical testing. Allele origin: germline. Affected: yes. Observed: 1 variant allele.
Comment: KCNH5: PP3, BP5

NM_139318.5(KCNH5):c.1888G>A (p.Val630Ile)

Gene: KCNH5 (potassium voltage-gated channel subfamily H member 5; minus strand). Cytogenetic location: 14q23.2.
Variant type: single nucleotide variant.
Coding change: c.1888G>A on transcript NM_139318.5 (MANE Select); coding-DNA position 1888, G replaced by A.
Protein change: p.Val630Ile; replaces valine 630 with isoleucine.
Molecular consequence: missense variant. On other transcripts: intron variant (1).
Genome position (GRCh38, 1-based): chr14:62,779,859, C>T on the plus strand (G>A on the coding strand, the complement: KCNH5 is on the minus strand). VCF-style: chr14-62779859-C-T. GRCh37 (hg19) VCF-style: chr14-63246577-C-T.
Other names: c.1822+22470G>A (NM_172375.3); short protein forms V630I.
Identifiers: ClinVar variation 4084302 (VCV004084302.8).